The following is an entry in ClinVar:

NM_001042492.3(NF1):c.905G>A (p.Ser302Asn)

Gene: NF1 (neurofibromin 1; plus strand). Cytogenetic location: 17q11.2.
Variant type: single nucleotide variant.
Coding change: c.905G>A on transcript NM_001042492.3 (MANE Select); coding-DNA position 905, G replaced by A.
Protein change: p.Ser302Asn; replaces serine 302 with asparagine.
Molecular consequence: missense variant.
Genome position (GRCh38, 1-based): chr17:31,200,438, G>A. VCF-style: chr17-31200438-G-A. GRCh37 (hg19) VCF-style: chr17-29527456-G-A.
Other names: c.905G>A, p.Ser302Asn (NM_000267.4, NM_001128147.3); short protein forms S302N.
Identifiers: ClinVar variation 186172 (VCV000186172.14), dbSNP rs786202746, ClinGen allele CA194056.
Genomic context (GRCh38, chr17:31,200,438, plus strand): 5'-AGAAACTTCATATATTATCTTATCGCTATATTTGAATTCTGTAGAAGTTATTTCTGGACA[G>A]TCTACGAAAAGCTCTTGCTGGCCATGGAGGAAGTAGGCAGCTGACAGAAAGTGCTGCAAT-3'
Protein context (NP_001035957.1, residues 292-312): NNMNKKLFLD[Ser302Asn]LRKALAGHGG

ClinVar aggregate classification (germline): Conflicting classifications of pathogenicity. Review status: criteria provided, conflicting classifications (1 of 4 stars). 5 submissions from 4 submitters: Uncertain significance (2); Benign (1); Likely benign (2). Last evaluated 2026-01-11.

Conditions:
Hereditary cancer-predisposing syndrome. Also called: Hereditary Cancer Syndrome; Neoplastic Syndromes, Hereditary; Tumor predisposition; Hereditary neoplastic syndrome. Identifiers: Orphanet 140162, MedGen C0027672, MeSH D009386, MONDO:0015356.
Cardiovascular phenotype. Identifiers: MedGen CN230736.
Juvenile myelomonocytic leukemia (JMML). Also called: LEUKEMIA, JUVENILE MYELOMONOCYTIC, SOMATIC. Identifiers: Orphanet 86834, MedGen C0349639, MONDO:0011908, OMIM 607785, HP:0012209.
Neurofibromatosis, type 1 (NF1). Also called: NEUROFIBROMATOSIS, TYPE I, SOMATIC; VON RECKLINGHAUSEN DISEASE; Peripheral type neurofibromatosis; Neurofibromatosis, type I. Identifiers: Orphanet 636, MedGen C0027831, MONDO:0018975, OMIM 162200. Disease mechanism: loss of function.

Allele frequency attached by ClinVar (database versions not stated): TOPMed 0.00001; gnomAD exomes below 0.00001.
gnomAD v4.1: 2 of 1,614,094 alleles (0.00012%); highest among the groups gnomAD compares: Non-Finnish European, 0.00017%; no homozygotes.

Submissions (5):

Labcorp Genetics (formerly Invitae), Labcorp
Classification: Benign for Neurofibromatosis, type 1. Last evaluated: 2026-01-11. Review status: criteria provided, single submitter. Criteria: Invitae Variant Classification Sherloc (09022015). Collection method: clinical testing. Allele origin: germline.

GeneDx
Classification: Uncertain significance. Last evaluated: 2024-05-16. Review status: criteria provided, single submitter. Criteria: GeneDx Variant Classification Process June 2021. Collection method: clinical testing. Allele origin: germline. Affected: yes.
Comment: Not observed at significant frequency in large population cohorts (gnomAD); In silico analysis indicates that this missense variant does not alter protein structure/function; Has not been previously published as pathogenic or benign to our knowledge; This variant is associated with the following publications: (PMID: 24030381, 38408388)

Baylor Genetics
Classification: Uncertain significance for Juvenile myelomonocytic leukemia. Last evaluated: 2024-02-12. Review status: criteria provided, single submitter. Criteria: ACMG Guidelines, 2015. Collection method: clinical testing. Allele origin: unknown.

Ambry Genetics
Classification: Likely benign for Cardiovascular phenotype; Hereditary cancer-predisposing syndrome. Last evaluated: 2018-12-14. Review status: criteria provided, single submitter. Criteria: Ambry Variant Classification Scheme 2023. Collection method: clinical testing. Allele origin: germline.

Ambry Genetics
Classification: Likely benign for Hereditary cancer-predisposing syndrome. Last evaluated: 2016-02-18. Review status: criteria provided, single submitter. Criteria: Ambry Autosomal Dominant and X-Linked criteria (10/2015). Collection method: clinical testing. Allele origin: germline. Observed: 1 variant allele.
Comment: In silico models in agreement (benign);Insufficient or conflicting evidence;Other strong data supporting benign classification